The following is an entry in ClinVar:

ClinVar aggregate classification (germline): Uncertain significance. Review status: criteria provided, multiple submitters, no conflicts (2 of 4 stars). 2 submissions from 2 submitters: Uncertain significance (2). Last evaluated 2024-04-25.

Conditions:
Age related macular degeneration 1 (ARMD1). Also called: MACULOPATHY, AGE-RELATED, 1. Identifiers: MedGen C1864205, MONDO:0011285, OMIM 603075.

gnomAD v4.1: 1 of 1,611,820 alleles (0.000062%); highest among the groups gnomAD compares: African/African-American, 0.0013%; no homozygotes.

Submissions (2):

Labcorp Genetics (formerly Invitae), Labcorp
Classification: Uncertain significance. Last evaluated: 2024-04-25. Review status: criteria provided, single submitter. Criteria: Invitae Variant Classification Sherloc (09022015). Collection method: clinical testing. Allele origin: germline.
Comment: This sequence change replaces leucine, which is neutral and non-polar, with valine, which is neutral and non-polar, at codon 696 of the HMCN1 protein (p.Leu696Val). This variant is not present in population databases (gnomAD no frequency). This variant has not been reported in the literature in individuals affected with HMCN1-related conditions. ClinVar contains an entry for this variant (Variation ID: 294113). An algorithm developed to predict the effect of missense changes on protein structure and function (PolyPhen-2) suggests that this variant is likely to be disruptive. In summary, the available evidence is currently insufficient to determine the role of this variant in disease. Therefore, it has been classified as a Variant of Uncertain Significance.

Illumina Laboratory Services, Illumina
Classification: Uncertain significance for Age related macular degeneration 1. Last evaluated: 2018-01-13. Review status: criteria provided, single submitter. Criteria: ICSL Variant Classification Criteria 13 December 2019. Collection method: clinical testing. Allele origin: germline.

NM_031935.3(HMCN1):c.2086C>G (p.Leu696Val)

Gene: HMCN1 (hemicentin 1; plus strand). Cytogenetic location: 1q31.1.
Variant type: single nucleotide variant.
Coding change: c.2086C>G on transcript NM_031935.3 (MANE Select); coding-DNA position 2086, C replaced by G.
Protein change: p.Leu696Val; replaces leucine 696 with valine.
Molecular consequence: missense variant.
Genome position (GRCh38, 1-based): chr1:185,963,883, C>G. VCF-style: chr1-185963883-C-G. GRCh37 (hg19) VCF-style: chr1-185933015-C-G.
Other names: short protein forms L696V.
Identifiers: ClinVar variation 294113 (VCV000294113.7), dbSNP rs886045663, ClinGen allele CA10608530.